The following is an entry in ClinVar:

ClinVar aggregate classification (germline): Pathogenic/Likely pathogenic. Review status: criteria provided, multiple submitters, no conflicts (2 of 4 stars). 2 submissions from 2 submitters: Pathogenic (1); Likely pathogenic (1). Last evaluated 2023-12-19.

Conditions:
TOPORS-related disorder. Also called: TOPORS-related condition.

Submissions (2):

Labcorp Genetics (formerly Invitae), Labcorp
Classification: Likely pathogenic. Last evaluated: 2023-12-19. Review status: criteria provided, single submitter. Criteria: Invitae Variant Classification Sherloc (09022015). Collection method: clinical testing. Allele origin: germline.
Comment: This sequence change creates a premature translational stop signal (p.His855Glnfs*17) in the TOPORS gene. While this is not anticipated to result in nonsense mediated decay, it is expected to disrupt the last 191 amino acid(s) of the TOPORS protein. This variant is not present in population databases (gnomAD no frequency). This variant has not been reported in the literature in individuals affected with TOPORS-related conditions. This variant is located in a region of the TOPORS protein where a significant number of TOPORS nonsense and frameshift mutations have been reported in association with autosomal dominant retinitis pigmentosa (PMID: 35579903, 17924349, 32531858). In summary, the currently available evidence indicates that the variant is pathogenic, but additional data are needed to prove that conclusively. Therefore, this variant has been classified as Likely Pathogenic.

Blueprint Genetics
Classification: Pathogenic for TOPORS-related disorders. Last evaluated: 2022-02-24. Review status: criteria provided, single submitter. Criteria: ACMG Guidelines, 2015. Collection method: clinical testing. Allele origin: germline. Affected: yes. Observed: 2 variant alleles.

Literature cited by the submitters: PubMed 35579903 (cited by Labcorp Genetics (formerly Invitae), Labcorp); PubMed 17924349 (cited by Labcorp Genetics (formerly Invitae), Labcorp); PubMed 32531858 (cited by Labcorp Genetics (formerly Invitae), Labcorp).

NM_005802.5(TOPORS):c.2565_2566del (p.His855fs)

Gene: TOPORS (TOP1 binding arginine/serine rich protein, E3 ubiquitin ligase; minus strand). Cytogenetic location: 9p21.1.
Variant type: Microsatellite.
Coding change: c.2565_2566del on transcript NM_005802.5 (MANE Select); coding-DNA positions 2565 to 2566, 2 bases deleted (CA; older notation c.2565_2566delCA).
Protein change: p.His855fs; shifts the reading frame from histidine 855.
Molecular consequence: frameshift variant.
Genome position (GRCh38, 1-based): chr9:32,541,959-32,541,960, TG deleted on the plus strand (CA on the coding strand, the reverse complement: TOPORS is on the minus strand); deleting any 2 consecutive bases within chr9:32,541,959-32,541,963 gives the same sequence; the c. name uses the placement nearest the transcript's 3' end. VCF-style (leftmost placement, unchanged base first): chr9-32541958-TTG-T. GRCh37 (hg19) VCF-style: chr9-32541956-TTG-T.
Other names: c.2370_2371del, p.His790fs (NM_001195622.2); short protein forms H855fs, H790fs.
Identifiers: ClinVar variation 2104585 (VCV002104585.5), dbSNP rs2489446259, ClinGen allele CA2580616169.